The following is an entry in ClinVar:

NC_000017.10:g.(?_29486008)_(29486131_?)del

Gene: NF1 (neurofibromin 1; plus strand). Cytogenetic location: 17q11.2.
Variant type: Deletion.
Identifiers: ClinVar variation 2422711 (VCV002422711.3).

ClinVar aggregate classification (germline): Pathogenic (1 of 4 stars; one submission).

Conditions:
Neurofibromatosis, type 1 (NF1). Also called: Peripheral type neurofibromatosis; VON RECKLINGHAUSEN DISEASE; NEUROFIBROMATOSIS, TYPE I, SOMATIC; Neurofibromatosis, type I. Identifiers: Orphanet 636, MedGen C0027831, MONDO:0018975, OMIM 162200. Disease mechanism: loss of function.

Submission:

Labcorp Genetics (formerly Invitae), Labcorp
Classification: Pathogenic for Neurofibromatosis, type 1. Last evaluated: 2022-10-17. Review status: criteria provided, single submitter. Criteria: Invitae Variant Classification Sherloc (09022015). Collection method: clinical testing. Allele origin: germline.
Comment: For these reasons, this variant has been classified as Pathogenic. This variant disrupts a region of the NF1 protein in which other variant(s) (p.Ser82Phe) have been determined to be pathogenic (PMID: 11857752; Invitae). This suggests that this is a clinically significant region of the protein, and that variants that disrupt it are likely to be disease-causing. Studies have shown that a similar copy number variant results in skipping of exon 3, but is expected to preserve the integrity of the reading-frame (PMID: 8034304). A similar copy number variant has been observed in individual(s) with Neurofibromatosis type 1 (PMID: 8034304, 25631097, 26189818, 31766501). This variant is a gross deletion of the genomic region encompassing exon(s) 3 of the NF1 gene. RNA analysis indicates that a similar copy number variant induces altered splicing and likely results in a shortened protein product.

Literature cited by the submitters: PubMed 11857752; PubMed 8034304; PubMed 25631097; PubMed 26189818; PubMed 31766501.